The following is an entry in ClinVar:

NM_133259.4(LRPPRC):c.3286del (p.His1096fs)

Gene: LRPPRC (leucine rich pentatricopeptide repeat containing; minus strand). Cytogenetic location: 2p21.
Variant type: Deletion.
Coding change: c.3286del on transcript NM_133259.4 (MANE Select); coding-DNA position 3286, one base deleted (C; older notation c.3286delC).
Protein change: p.His1096fs; shifts the reading frame from histidine 1096.
Molecular consequence: frameshift variant.
Genome position (GRCh38, 1-based): chr2:43,905,770, G deleted on the plus strand (C on the coding strand, the reverse complement: LRPPRC is on the minus strand); the first of 3 consecutive G bases (chr2:43,905,770-43,905,772); deleting any one gives the same sequence. VCF-style (leftmost placement, unchanged base first): chr2-43905769-TG-T. GRCh37 (hg19) VCF-style: chr2-44132908-TG-T.
Other names: c.3286del (NM_133259.3); c.3286delC (NM_133259.3); short protein forms H1096fs.
Identifiers: ClinVar variation 212735 (VCV000212735.8), dbSNP rs797044605, ClinGen allele CA090948.

ClinVar aggregate classification (germline): Pathogenic/Likely pathogenic. Review status: criteria provided, multiple submitters, no conflicts (2 of 4 stars). 3 submissions from 3 submitters: Pathogenic (1); Likely pathogenic (1). 1 of the submissions does not count toward it. Last evaluated 2026-01-23.

Conditions:
Congenital lactic acidosis, Saguenay-Lac-Saint-Jean type (MC4DN5). Also called: CYTOCHROME c OXIDASE DEFICIENCY, FRENCH CANADIAN TYPE; COX DEFICIENCY, FRENCH CANADIAN TYPE; MITOCHONDRIAL COMPLEX IV DEFICIENCY, NUCLEAR TYPE 5. Identifiers: Orphanet 70472, MedGen C1857355, MONDO:0009069, OMIM 220111.

Submissions (3):

Natera, Inc.
Classification: Likely pathogenic for French-Canadian type Leigh syndrome. Last evaluated: 2026-01-23. Review status: criteria provided, single submitter. Criteria: Natera Variant Classification Schema (03/2026). Collection method: clinical testing. Allele origin: germline.
Comment: The c.3286del variant in LRPPRC is a frameshift variant predicted to shift the reading frame beginning at codon 1096 and leads to a stop codon 7 codons downstream. This variant is expected to result in nonsense mediated decay, truncation, or a dysfunctional protein product. This variant is rare in the general population with a frequency below the threshold expected for the associated phenotype(s). Given the available evidence, this variant is classified as Likely Pathogenic.

Labcorp Genetics (formerly Invitae), Labcorp
Classification: Pathogenic. Last evaluated: 2024-02-16. Review status: criteria provided, single submitter. Criteria: Invitae Variant Classification Sherloc (09022015). Collection method: clinical testing. Allele origin: germline.
Comment: This sequence change creates a premature translational stop signal (p.His1096Thrfs*7) in the LRPPRC gene. It is expected to result in an absent or disrupted protein product. Loss-of-function variants in LRPPRC are known to be pathogenic (PMID: 26510951). This variant is present in population databases (rs797044605, gnomAD 0.007%). This variant has not been reported in the literature in individuals affected with LRPPRC-related conditions. ClinVar contains an entry for this variant (Variation ID: 212735). For these reasons, this variant has been classified as Pathogenic.

Knight Diagnostic Laboratories, Oregon Health and Sciences University
Classification: Likely pathogenic for Leigh syndrome, French Canadian type. Last evaluated: 2014-09-08. Review status: no assertion criteria provided. Criteria: ACMG Guidelines, 2007. Collection method: clinical testing. Allele origin: germline. Inheritance: Autosomal recessive inheritance. Affected: no. Not counted in ClinVar's aggregate classification.

Literature cited by the submitters: PubMed 26510951 (cited by Labcorp Genetics (formerly Invitae), Labcorp).